The following is an entry in ClinVar:

ClinVar aggregate classification (germline): Uncertain significance (1 of 4 stars; one submission).

Conditions:
Familial isolated arrhythmogenic right ventricular dysplasia. Identifiers: Orphanet 217656, MedGen C4274968, MONDO:0016342.

Submission:

All of Us Research Program, National Institutes of Health
Classification: Uncertain significance for Familial isolated arrhythmogenic right ventricular dysplasia. Last evaluated: 2024-07-10. Review status: criteria provided, single submitter. Criteria: ACMG Guidelines, 2015. Collection method: clinical testing. Allele origin: germline. Inheritance: Autosomal dominant inheritance. Observed: 1 variant allele, 1 heterozygote.
Comment: This missense variant replaces alanine with valine at codon 410 of the DSC2 protein. Computational prediction suggests that this variant may not impact protein structure and function (internally defined REVEL score threshold <= 0.5, PMID: 27666373). To our knowledge, functional studies have not been reported for this variant. This variant has not been reported in individuals affected with DSC2-related disorders in the literature. This variant has been identified in 1/250922 chromosomes in the general population by the Genome Aggregation Database (gnomAD). The available evidence is insufficient to determine the role of this variant in disease conclusively. Therefore, this variant is classified as a Variant of Uncertain Significance.

This study involves interpretation of variants in research participants for the purpose of population health screening. Participant phenotype was not available at the time of variant classification. Additional details can be found in publication PMID: 35346344, PMCID: PMC8962531

NM_024422.6(DSC2):c.1229C>T (p.Ala410Val)

Gene: DSC2 (desmocollin 2; minus strand). Cytogenetic location: 18q12.1.
Variant type: single nucleotide variant.
Coding change: c.1229C>T on transcript NM_024422.6 (MANE Select); coding-DNA position 1229, C replaced by T.
Protein change: p.Ala410Val; replaces alanine 410 with valine.
Molecular consequence: missense variant.
Genome position (GRCh38, 1-based): chr18:31,082,272, G>A on the plus strand (C>T on the coding strand, the complement: DSC2 is on the minus strand). VCF-style: chr18-31082272-G-A. GRCh37 (hg19) VCF-style: chr18-28662238-G-A.
Other names: c.800C>T, p.Ala267Val (NM_001406506.1, NM_001406507.1); c.1229C>T, p.Ala410Val (NM_004949.5); short protein forms A267V, A410V.
Identifiers: ClinVar variation 3386533 (VCV003386533.1).